The following is an entry in ClinVar:

NM_019066.5(MAGEL2):c.3276G>T (p.Lys1092Asn)

Gene: MAGEL2 (MAGE family member L2; minus strand). Cytogenetic location: 15q11.2.
Variant type: single nucleotide variant.
Coding change: c.3276G>T on transcript NM_019066.5 (MANE Select); coding-DNA position 3276, G replaced by T.
Protein change: p.Lys1092Asn; replaces lysine 1092 with asparagine.
Molecular consequence: missense variant.
Genome position (GRCh38, 1-based): chr15:23,644,467, C>A on the plus strand (G>T on the coding strand, the complement: MAGEL2 is on the minus strand). VCF-style: chr15-23644467-C-A. GRCh37 (hg19) VCF-style: chr15-23889614-C-A.
Other names: short protein forms K1092N.
Identifiers: ClinVar variation 3869652 (VCV003869652.9).

ClinVar aggregate classification (germline): Conflicting classifications of pathogenicity. Review status: criteria provided, conflicting classifications (1 of 4 stars). 3 submissions from 3 submitters: Uncertain significance (1); Likely benign (2). Last evaluated 2025-04-01.

Conditions:
Inborn genetic diseases. Identifiers: MedGen C0950123, MeSH D030342.
MAGEL2-related disorder. Also called: MAGEL2-related condition.

Submissions (3):

CeGaT Center for Human Genetics Tuebingen
Classification: Likely benign. Last evaluated: 2025-04-01. Review status: criteria provided, single submitter. Criteria: CeGaT Center For Human Genetics Tuebingen Variant Classification Criteria Version 2. Collection method: clinical testing. Allele origin: germline. Affected: yes. Observed: 1 variant allele.
Comment: MAGEL2: BP4

Ambry Genetics
Classification: Likely benign for Inborn genetic diseases. Last evaluated: 2025-01-15. Review status: criteria provided, single submitter. Criteria: Ambry Variant Classification Scheme 2023. Collection method: clinical testing. Allele origin: germline.

PreventionGenetics, part of Exact Sciences
Classification: Uncertain significance for MAGEL2-related condition. Last evaluated: 2024-11-01. Review status: criteria provided, single submitter. Criteria: ACMG Guidelines, 2015. Collection method: clinical testing. Allele origin: germline.
Comment: The MAGEL2 c.3276G>T variant is predicted to result in the amino acid substitution p.Lys1092Asn. To our knowledge, this variant has not been reported in the literature. This variant is reported in 0.0055% of alleles in individuals of European (Non-Finnish) descent in gnomAD. At this time, the clinical significance of this variant is uncertain due to the absence of conclusive functional and genetic evidence.